The following is an entry in ClinVar:

NM_007294.4(BRCA1):c.4358-2771G>A

Gene: BRCA1 (BRCA1 DNA repair associated; minus strand). Cytogenetic location: 17q21.31.
Variant type: single nucleotide variant.
Coding change: c.4358-2771G>A on transcript NM_007294.4 (MANE Select); 2771 bases into the intron before coding-DNA position 4358, G replaced by A.
Molecular consequence: intron variant. On other transcripts: missense variant (17).
Genome position (GRCh38, 1-based): chr17:43,079,385, C>T on the plus strand (G>A on the coding strand, the complement: BRCA1 is on the minus strand). VCF-style: chr17-43079385-C-T. GRCh37 (hg19) VCF-style: chr17-41231402-C-T.
Other names: c.4372G>A, p.Gly1458Ser (NM_001407581.1, NM_001407582.1, NM_001407583.1 and 2 more transcripts); c.4369G>A, p.Gly1457Ser (NM_001407587.1, NM_001407590.1, NM_001407591.1); c.4249G>A, p.Gly1417Ser (NM_001407648.1); c.4246G>A, p.Gly1416Ser (NM_001407649.1); c.4159G>A, p.Gly1387Ser (NM_001407853.1); c.1063G>A, p.Gly355Ser (NM_001407970.1, NM_001407971.1); c.1060G>A, p.Gly354Ser (NM_001407972.1); c.985G>A, p.Gly329Ser (NM_001408409.1); and 98 more; short protein forms G308S, G329S, G1457S, G1458S, G1387S, G1416S, G1417S, G244S.
Identifiers: ClinVar variation 4294406 (VCV004294406.2), dbSNP rs1173323937.

ClinVar aggregate classification (germline): Likely benign. Review status: criteria provided, multiple submitters, no conflicts (2 of 4 stars). 2 submissions from 2 submitters: Likely benign (2). Last evaluated 2025-10-17.

Conditions:
Hereditary breast ovarian cancer syndrome. Also called: Hereditary breast and ovarian cancer syndrome; Hereditary breast and ovarian cancer; Hereditary breast and ovarian cancer syndrome (HBOC); Breast and ovarian cancer; Hereditary breast and/or ovarian cancer syndrome; BRCA1- and BRCA2-Associated Hereditary Breast and Ovarian Cancer. Identifiers: Orphanet 145, MedGen C0677776, MeSH D061325, MONDO:0003582. Disease mechanism: loss of function.

gnomAD v4.1: 10 of 1,596,664 alleles (0.00063%); highest among the groups gnomAD compares: African/African-American, 0.0013%; no homozygotes.

Submissions (2):

Institute for Biomarker Research, Medical Diagnostic Laboratories, L.L.C.
Classification: Likely benign for Hereditary breast ovarian cancer syndrome. Last evaluated: 2025-10-17. Review status: criteria provided, single submitter. Criteria: ACMG Guidelines, 2015. Collection method: clinical testing. Allele origin: germline.
Comment: The intron variant NM_007294.4(BRCA1):c.4358-2771G>A has not been reported previously as a pathogenic variant nor as a benign variant, to our knowledge. The c.4358-2771G>A variant is observed in 2/107,384 (0.0019%) alleles from individuals of gnomAD Non Finnish European background in gnomAD. The c.4358-2771G>A variant is not predicted to disrupt an existing splice site. The c.4358-2771G>A variant is predicted to introduce a novel splice site by 1 of 4 splice site algorithms. The c.4358-2771G>A variant results in a substitution of a base that is not predicted conserved by GERP++ and PhyloP. For these reasons, this variant has been classified as Likely Benign.

Blueprint Genetics
Classification: Likely benign. Last evaluated: 2022-12-30. Review status: criteria provided, single submitter. Criteria: ACMG Guidelines, 2015. Collection method: clinical testing. Allele origin: germline.